The following is an entry in ClinVar:

NM_000548.5(TSC2):c.674T>A (p.Val225Glu)

Gene: TSC2 (TSC complex subunit 2; plus strand). Cytogenetic location: 16p13.3.
Variant type: single nucleotide variant.
Coding change: c.674T>A on transcript NM_000548.5 (MANE Select); coding-DNA position 674, T replaced by A.
Protein change: p.Val225Glu; replaces valine 225 with glutamic acid.
Molecular consequence: missense variant.
Genome position (GRCh38, 1-based): chr16:2,056,669, T>A. VCF-style: chr16-2056669-T-A. GRCh37 (hg19) VCF-style: chr16-2106670-T-A.
Other names: c.674T>A, p.Val225Glu (NM_001077183.3, NM_001114382.3, NM_001363528.2 and 3 more transcripts); c.674T>A (NM_000548.3); c.563T>A, p.Val188Glu (NM_001318827.2); c.527T>A, p.Val176Glu (NM_001318829.2); c.74T>A, p.Val25Glu (NM_001318831.2); c.707T>A, p.Val236Glu (NM_001318832.2); short protein forms V176E, V188E, V225E, V236E, V25E.
Identifiers: ClinVar variation 1014369 (VCV001014369.10), dbSNP rs1437259556, ClinGen allele CA394312470.
Genomic context (GRCh38, chr16:2,056,669, plus strand): 5'-GTAGGACGGGCGTGAGCCGTCTCCCTCTCCACCAGGTCTCCCTGCAGGTGCTGGACGCCG[T>A]GGTCTGCTACAACTGCCTGCCGGCTGAGAGCCTCCCGCTGTTCATCGTTACCCTCTGTCG-3'
Protein context (NP_000539.2, residues 215-235): IEVSLQVLDA[Val225Glu]VCYNCLPAES

ClinVar aggregate classification (germline): Uncertain significance. Review status: criteria provided, multiple submitters, no conflicts (2 of 4 stars). 2 submissions from 2 submitters: Uncertain significance (2). Last evaluated 2024-02-02.

Conditions:
Hereditary cancer-predisposing syndrome. Also called: Tumor predisposition; Hereditary Cancer Syndrome; Neoplastic Syndromes, Hereditary; Hereditary neoplastic syndrome. Identifiers: Orphanet 140162, MedGen C0027672, MeSH D009386, MONDO:0015356.
Tuberous sclerosis 2 (TSC2). Identifiers: Orphanet 805, MedGen C1860707, MONDO:0013199, OMIM 613254.

Submissions (2):

Ambry Genetics
Classification: Uncertain significance for Hereditary cancer-predisposing syndrome. Last evaluated: 2024-02-02. Review status: criteria provided, single submitter. Criteria: Ambry Variant Classification Scheme 2023. Collection method: clinical testing. Allele origin: germline.
Comment: The p.V225E variant (also known as c.674T>A), located in coding exon 7 of the TSC2 gene, results from a T to A substitution at nucleotide position 674. The valine at codon 225 is replaced by glutamic acid, an amino acid with dissimilar properties. This amino acid position is conserved. In addition, this alteration is predicted to be deleterious by in silico analysis. Based on the available evidence, the clinical significance of this alteration remains unclear.

Labcorp Genetics (formerly Invitae), Labcorp
Classification: Uncertain significance for Tuberous sclerosis 2. Last evaluated: 2020-01-11. Review status: criteria provided, single submitter. Criteria: Invitae Variant Classification Sherloc (09022015). Collection method: clinical testing. Allele origin: germline.
Comment: Algorithms developed to predict the effect of missense changes on protein structure and function (SIFT, PolyPhen-2, Align-GVGD) all suggest that this variant is likely to be disruptive, but these predictions have not been confirmed by published functional studies and their clinical significance is uncertain. In summary, the available evidence is currently insufficient to determine the role of this variant in disease. Therefore, it has been classified as a Variant of Uncertain Significance. This variant has not been reported in the literature in individuals with TSC2-related conditions. This variant is not present in population databases (ExAC no frequency). This sequence change replaces valine with glutamic acid at codon 225 of the TSC2 protein (p.Val225Glu). The valine residue is highly conserved and there is a moderate physicochemical difference between valine and glutamic acid.